The following is an entry in ClinVar:

ClinVar aggregate classification (germline): Uncertain significance. Review status: criteria provided, multiple submitters, no conflicts (2 of 4 stars). 3 submissions from 3 submitters: Uncertain significance (3). Last evaluated 2024-01-11.

Conditions:
Inborn genetic diseases. Identifiers: MedGen C0950123, MeSH D030342.

Allele frequency attached by ClinVar (database versions not stated): TOPMed 0.00003; gnomAD exomes 0.00004 and 0.00006; ExAC 0.00005; gnomAD 0.00006; ESP Exome Variant Server 0.00008; 1000 Genomes Project 30x 0.00016; 1000 Genomes Project 0.00020.

Submissions (3):

Blueprint Genetics
Classification: Uncertain significance. Last evaluated: 2024-01-11. Review status: criteria provided, single submitter. Criteria: ACMG Guidelines, 2015. Collection method: clinical testing. Allele origin: germline.

Labcorp Genetics (formerly Invitae), Labcorp
Classification: Uncertain significance. Last evaluated: 2022-07-25. Review status: criteria provided, single submitter. Criteria: Invitae Variant Classification Sherloc (09022015). Collection method: clinical testing. Allele origin: germline.
Comment: This sequence change replaces alanine, which is neutral and non-polar, with valine, which is neutral and non-polar, at codon 166 of the REEP6 protein (p.Ala166Val). This variant is present in population databases (rs199973255, gnomAD 0.01%). This variant has not been reported in the literature in individuals affected with REEP6-related conditions. ClinVar contains an entry for this variant (Variation ID: 942804). Experimental studies and prediction algorithms are not available or were not evaluated, and the functional significance of this variant is currently unknown. In summary, the available evidence is currently insufficient to determine the role of this variant in disease. Therefore, it has been classified as a Variant of Uncertain Significance.

Ambry Genetics
Classification: Uncertain significance for Inborn genetic diseases. Last evaluated: 2021-08-25. Review status: criteria provided, single submitter. Criteria: Ambry Variant Classification Scheme 2023. Collection method: clinical testing. Allele origin: germline.

NM_138393.4(REEP6):c.497C>T (p.Ala166Val)

Gene: REEP6 (receptor accessory protein 6; plus strand). Cytogenetic location: 19p13.3.
Variant type: single nucleotide variant.
Coding change: c.497C>T on transcript NM_138393.4 (MANE Select); coding-DNA position 497, C replaced by T.
Protein change: p.Ala166Val; replaces alanine 166 with valine.
Molecular consequence: missense variant.
Genome position (GRCh38, 1-based): chr19:1,496,433, C>T. VCF-style: chr19-1496433-C-T. GRCh37 (hg19) VCF-style: chr19-1496432-C-T.
Other names: c.497C>T (NM_138393.1); c.497C>T, p.Ala166Val (NM_001329556.3); short protein forms A166V.
Identifiers: ClinVar variation 942804 (VCV000942804.10), dbSNP rs199973255, ClinGen allele CA9047596.
Genomic context (GRCh38, chr19:1,496,433, plus strand): 5'-GGCACCACGGGGCCGTAGACAGAATCATGAACGACCTCAGCGGGCGAGCCCTGGACGCGG[C>T]GGCCGGAATAACCAGGAACGGTGGGTGCTCGCAGGCGCCTGGCTGCCTCAGGCCATCTCC-3'
Protein context (NP_612402.1, residues 156-176): NDLSGRALDA[Ala166Val]AGITRNVKPS